The following is an entry in ClinVar:

ClinVar aggregate classification (germline): Benign. Review status: criteria provided, multiple submitters, no conflicts (2 of 4 stars). 2 submissions from 2 submitters: Benign (2). Last evaluated 2018-06-23.

Conditions:
Mitochondrial complex I deficiency, nuclear type 1. Also called: NADH-COENZYME Q REDUCTASE DEFICIENCY; MITOCHONDRIAL NADH DEHYDROGENASE COMPONENT OF COMPLEX I, DEFICIENCY OF. Identifiers: MedGen C6022305, MONDO:0100224, OMIM 252010.

Allele frequency attached by ClinVar (database versions not stated): 1000 Genomes Project 30x 0.37555; TOPMed 0.37162; 1000 Genomes Project 0.37760; ExAC 0.48995; gnomAD 0.39057 and 0.38702; gnomAD exomes 0.41792 and 0.41744.
gnomAD v4.1: 550,362 of 1,328,290 alleles (41%); highest among the groups gnomAD compares: East Asian, 47%; 116,337 homozygotes.

Submissions (2):

GeneDx
Classification: Benign. Last evaluated: 2018-06-23. Review status: criteria provided, single submitter. Criteria: GeneDx Variant Classification Process June 2021. Collection method: clinical testing. Allele origin: germline. Affected: yes.

Illumina Laboratory Services, Illumina
Classification: Benign for Mitochondrial complex I deficiency, nuclear type 1. Last evaluated: 2018-01-12. Review status: criteria provided, single submitter. Criteria: ICSL Variant Classification Criteria 13 December 2019. Collection method: clinical testing. Allele origin: germline.
Comment: This variant was observed in the ICSL laboratory as part of a predisposition screen in an ostensibly healthy population. It had not been previously curated by ICSL or reported in the Human Gene Mutation Database (HGMD: prior to June 1st, 2018), and was therefore a candidate for classification through an automated scoring system. Utilizing variant allele frequency, disease prevalence and penetrance estimates, and inheritance mode, an automated score was calculated to assess if this variant is too frequent to cause the disease. Based on the score and internal cut-off values, a variant classified as benign is not then subjected to further curation. The score for this variant resulted in a classification of benign for this disease.

NM_002488.4(NDUFA2):c.-136A>G

Genes: NDUFA2 (NADH:ubiquinone oxidoreductase subunit A2; minus strand), TMCO6 (transmembrane and coiled-coil domains 6; plus strand). Cytogenetic location: 5q31.3.
Variant type: single nucleotide variant.
Coding change: c.-136A>G on transcript NM_002488.4; 136 bases upstream of the start codon, A replaced by G.
Genome position (GRCh38, 1-based): chr5:140,647,719, T>C on the plus strand (A>G on the coding strand, the complement: NDUFA2 is on the minus strand). VCF-style: chr5-140647719-T-C. GRCh37 (hg19) VCF-style: chr5-140027304-T-C.
Identifiers: ClinVar variation 351231 (VCV000351231.9), dbSNP rs778594, ClinGen allele CA3442607.